The following is an entry in ClinVar:

NM_020461.4(TUBGCP6):c.5252T>A (p.Leu1751His)

Gene: TUBGCP6 (tubulin gamma complex component 6; minus strand). Cytogenetic location: 22q13.33.
Variant type: single nucleotide variant.
Coding change: c.5252T>A on transcript NM_020461.4 (MANE Select); coding-DNA position 5252, T replaced by A.
Protein change: p.Leu1751His; replaces leucine 1751 with histidine.
Molecular consequence: missense variant.
Genome position (GRCh38, 1-based): chr22:50,218,034, A>T on the plus strand (T>A on the coding strand, the complement: TUBGCP6 is on the minus strand). VCF-style: chr22-50218034-A-T. GRCh37 (hg19) VCF-style: chr22-50656463-A-T.
Other names: short protein forms L1751H.
Identifiers: ClinVar variation 1462189 (VCV001462189.6), dbSNP rs756864077, ClinGen allele CA10307110.

ClinVar aggregate classification (germline): Uncertain significance (1 of 4 stars; one submission).

Allele frequency attached by ClinVar (database versions not stated): gnomAD exomes below 0.00001; ExAC 0.00001.
gnomAD v4.1: 6 of 1,613,368 alleles (0.00037%); highest among the groups gnomAD compares: Non-Finnish European, 0.00051%; no homozygotes.

Submission:

Labcorp Genetics (formerly Invitae), Labcorp
Classification: Uncertain significance. Last evaluated: 2023-04-05. Review status: criteria provided, single submitter. Criteria: Invitae Variant Classification Sherloc (09022015). Collection method: clinical testing. Allele origin: germline.
Comment: This variant has not been reported in the literature in individuals affected with TUBGCP6-related conditions. This sequence change replaces leucine, which is neutral and non-polar, with histidine, which is basic and polar, at codon 1751 of the TUBGCP6 protein (p.Leu1751His). In summary, the available evidence is currently insufficient to determine the role of this variant in disease. Therefore, it has been classified as a Variant of Uncertain Significance. An algorithm developed to predict the effect of missense changes on protein structure and function (PolyPhen-2) suggests that this variant is likely to be disruptive. ClinVar contains an entry for this variant (Variation ID: 1462189). This variant is present in population databases (rs756864077, gnomAD 0.0009%).